The following is an entry in ClinVar:

NM_003401.5(XRCC4):c.918G>A (p.Thr306=)

Gene: XRCC4 (X-ray repair cross complementing 4; plus strand). Cytogenetic location: 5q14.2.
Variant type: single nucleotide variant.
Coding change: c.918G>A on transcript NM_003401.5 (MANE Select); coding-DNA position 918, G replaced by A.
Protein change: p.Thr306=; no amino-acid change (threonine 306 retained).
Molecular consequence: synonymous variant.
Genome position (GRCh38, 1-based): chr5:83,353,155, G>A. VCF-style: chr5-83353155-G-A. GRCh37 (hg19) VCF-style: chr5-82648974-G-A.
Other names: c.924G>A, p.Thr308= (NM_001318012.3, NM_022406.5); c.918G>A, p.Thr306= (NM_022550.4).
Identifiers: ClinVar variation 1634468 (VCV001634468.32), dbSNP rs137997451, ClinGen allele CA3332308.

ClinVar aggregate classification (germline): Likely benign. Review status: criteria provided, multiple submitters, no conflicts (2 of 4 stars). 2 submissions from 2 submitters: Likely benign (2). Last evaluated 2025-01-06.

Allele frequency attached by ClinVar (database versions not stated): gnomAD exomes 0.00006 and 0.00014; ESP Exome Variant Server 0.00008; 1000 Genomes Project 30x 0.00031.
gnomAD v4.1: 88 of 1,610,810 alleles (0.0055%); highest among the groups gnomAD compares: South Asian, 0.08%; no homozygotes.

Submissions (2):

Labcorp Genetics (formerly Invitae), Labcorp
Classification: Likely benign. Last evaluated: 2025-01-06. Review status: criteria provided, single submitter. Criteria: Invitae Variant Classification Sherloc (09022015). Collection method: clinical testing. Allele origin: germline.

CeGaT Center for Human Genetics Tuebingen
Classification: Likely benign. Last evaluated: 2023-05-01. Review status: criteria provided, single submitter. Criteria: CeGaT Center For Human Genetics Tuebingen Variant Classification Criteria Version 2. Collection method: clinical testing. Allele origin: germline. Affected: yes. Observed: 1 variant allele.
Comment: XRCC4: BP4, BP7